The following is an entry in ClinVar:

NM_030665.4(RAI1):c.2925G>C (p.Lys975Asn)

Gene: RAI1 (retinoic acid induced 1; plus strand). Cytogenetic location: 17p11.2.
Variant type: single nucleotide variant.
Coding change: c.2925G>C on transcript NM_030665.4 (MANE Select); coding-DNA position 2925, G replaced by C.
Protein change: p.Lys975Asn; replaces lysine 975 with asparagine.
Molecular consequence: missense variant.
Genome position (GRCh38, 1-based): chr17:17,795,873, G>C. VCF-style: chr17-17795873-G-C. GRCh37 (hg19) VCF-style: chr17-17699187-G-C.
Other names: short protein forms K975N.
Identifiers: ClinVar variation 4743532 (VCV004743532.1).
Genomic context (GRCh38, chr17:17,795,873, plus strand): 5'-GCCTGATGGGGAGCGAGCTCCAGGGGATTCCACCACCTCGGACGCCTCTCTGGCCCAGAA[G>C]CCCAACAAGCCTGCTGTGCCCGAGGCGCCCATCGCAAAGAAAGAGCCTGTGCCACGGGGC-3'
Protein context (NP_109590.3, residues 965-985): STTSDASLAQ[Lys975Asn]PNKPAVPEAP

ClinVar aggregate classification (germline): Uncertain significance (1 of 4 stars; one submission).

Submission:

Labcorp Genetics (formerly Invitae), Labcorp
Classification: Uncertain significance. Last evaluated: 2025-04-09. Review status: criteria provided, single submitter. Criteria: Invitae Variant Classification Sherloc (09022015). Collection method: clinical testing. Allele origin: germline.
Comment: This sequence change replaces lysine, which is basic and polar, with asparagine, which is neutral and polar, at codon 975 of the RAI1 protein (p.Lys975Asn). This variant is not present in population databases (gnomAD no frequency). This variant has not been reported in the literature in individuals affected with RAI1-related conditions. Invitae Evidence Modeling of protein sequence and biophysical properties (such as structural, functional, and spatial information, amino acid conservation, physicochemical variation, residue mobility, and thermodynamic stability) indicates that this missense variant is not expected to disrupt RAI1 protein function with a negative predictive value of 80%. In summary, the available evidence is currently insufficient to determine the role of this variant in disease. Therefore, it has been classified as a Variant of Uncertain Significance.